The following is an entry in ClinVar:

NM_005378.6(MYCN):c.511G>A (p.Ala171Thr)

Gene: MYCN (MYCN proto-oncogene, bHLH transcription factor; plus strand). Cytogenetic location: 2p24.3.
Variant type: single nucleotide variant.
Coding change: c.511G>A on transcript NM_005378.6 (MANE Select); coding-DNA position 511, G replaced by A.
Protein change: p.Ala171Thr; replaces alanine 171 with threonine.
Molecular consequence: missense variant. On other transcripts: 3 prime UTR variant (1), intron variant (1).
Genome position (GRCh38, 1-based): chr2:15,942,575, G>A. VCF-style: chr2-15942575-G-A. GRCh37 (hg19) VCF-style: chr2-16082697-G-A.
Other names: c.511G>A (NM_005378.4); c.511G>A, p.Ala171Thr (NM_001293228.2); c.*446G>A (NM_001293233.2); c.157+1832G>A (NM_001293231.2); short protein forms A171T.
Identifiers: ClinVar variation 3626491 (VCV003626491.3).
Genomic context (GRCh38, chr2:15,942,575, plus strand): 5'-GGAGCCGGCGCCGCCAGCCCTGCGGGTCGCGGGCACGGCGGGGCTGCGGGAGCCGGCCGC[G>A]CCGGGGCCGCCCTGCCCGCCGAGCTCGCCCACCCGGCCGCCGAGTGCGTGGATCCCGCCG-3'
Protein context (NP_005369.2, residues 161-181): GHGGAAGAGR[Ala171Thr]GAALPAELAH

ClinVar aggregate classification (germline): Uncertain significance. Review status: criteria provided, multiple submitters, no conflicts (2 of 4 stars). 2 submissions from 2 submitters: Uncertain significance (2). Last evaluated 2025-09-25.

Conditions:
Inborn genetic diseases. Identifiers: MedGen C0950123, MeSH D030342.

Submissions (2):

Ambry Genetics
Classification: Uncertain significance for Inborn genetic diseases. Last evaluated: 2025-09-25. Review status: criteria provided, single submitter. Criteria: Ambry Variant Classification Scheme 2023. Collection method: clinical testing. Allele origin: germline.

Labcorp Genetics (formerly Invitae), Labcorp
Classification: Uncertain significance. Last evaluated: 2024-02-06. Review status: criteria provided, single submitter. Criteria: Invitae Variant Classification Sherloc (09022015). Collection method: clinical testing. Allele origin: germline.
Comment: This sequence change replaces alanine, which is neutral and non-polar, with threonine, which is neutral and polar, at codon 171 of the MYCN protein (p.Ala171Thr). This variant is present in population databases (no rsID available, gnomAD 0.01%). This variant has not been reported in the literature in individuals affected with MYCN-related conditions. Advanced modeling of protein sequence and biophysical properties (such as structural, functional, and spatial information, amino acid conservation, physicochemical variation, residue mobility, and thermodynamic stability) performed at Invitae indicates that this missense variant is not expected to disrupt MYCN protein function with a negative predictive value of 80%. In summary, the available evidence is currently insufficient to determine the role of this variant in disease. Therefore, it has been classified as a Variant of Uncertain Significance.